The following is an entry in ClinVar:

ClinVar aggregate classification (germline): Conflicting classifications of pathogenicity. Review status: criteria provided, conflicting classifications (1 of 4 stars). 2 submissions from 2 submitters: Pathogenic (1); Uncertain significance (1). Last evaluated 2024-08-17.

Submissions (2):

Labcorp Genetics (formerly Invitae), Labcorp
Classification: Pathogenic. Last evaluated: 2024-08-17. Review status: criteria provided, single submitter. Criteria: Invitae Variant Classification Sherloc (09022015). Collection method: clinical testing. Allele origin: germline.
Comment: This sequence change falls in intron 2 of the ABCA4 gene. It does not directly change the encoded amino acid sequence of the ABCA4 protein. This variant is not present in population databases (gnomAD no frequency). This variant has been observed in individual(s) with Stargardt disease (PMID: 31212395, 35120629; Invitae). In at least one individual the data is consistent with being in trans (on the opposite chromosome) from a pathogenic variant. ClinVar contains an entry for this variant (Variation ID: 2418846). Algorithms developed to predict the effect of sequence changes on RNA splicing suggest that this variant is not likely to affect RNA splicing. For these reasons, this variant has been classified as Pathogenic.

Blueprint Genetics
Classification: Uncertain significance. Last evaluated: 2023-03-31. Review status: criteria provided, single submitter. Criteria: ACMG Guidelines, 2015. Collection method: clinical testing. Allele origin: germline.

Literature cited by the submitters: PubMed 31212395 (cited by Labcorp Genetics (formerly Invitae), Labcorp); PubMed 35120629 (cited by Labcorp Genetics (formerly Invitae), Labcorp).

NM_000350.3(ABCA4):c.161-23T>A

Gene: ABCA4 (ATP binding cassette subfamily A member 4; minus strand). Cytogenetic location: 1p22.1.
Variant type: single nucleotide variant.
Coding change: c.161-23T>A on transcript NM_000350.3 (MANE Select); 23 bases into the intron before coding-DNA position 161, T replaced by A.
Molecular consequence: intron variant.
Genome position (GRCh38, 1-based): chr1:94,111,602, A>T on the plus strand (T>A on the coding strand, the complement: ABCA4 is on the minus strand). VCF-style: chr1-94111602-A-T. GRCh37 (hg19) VCF-style: chr1-94577158-A-T.
Identifiers: ClinVar variation 2418846 (VCV002418846.7), dbSNP rs2524008286, ClinGen allele CA2580063382.